The following is an entry in ClinVar:

ClinVar aggregate classification (germline): Uncertain significance (1 of 4 stars; one submission).

Submission:

GeneDx
Classification: Uncertain significance. Last evaluated: 2025-01-16. Review status: criteria provided, single submitter. Criteria: GeneDx Variant Classification Process June 2021. Collection method: clinical testing. Allele origin: germline. Affected: yes.
Comment: Not observed at significant frequency in large population cohorts (gnomAD); In-frame deletion of 5 amino acid(s) and insertion of 3 different amino acid(s) in a non-repeat region; In silico analysis does not support a benign or deleterious effect of this variant on protein structure/function; Has not been previously published as pathogenic or benign to our knowledge

NM_001164277.2(SLC37A4):c.946_960delinsGCTGGCATG (p.Tyr316_Val320delinsAlaGlyMet)

Gene: SLC37A4 (solute carrier family 37 member 4; minus strand). Cytogenetic location: 11q23.3.
Variant type: Indel.
Coding change: c.946_960delinsGCTGGCATG on transcript NM_001164277.2 (MANE Select); coding-DNA positions 946 to 960, TACCTCTTCCGGGTA replaced by GCTGGCATG.
Protein change: p.Tyr316_Val320delinsAlaGlyMet.
Molecular consequence: inframe indel.
Genome position (GRCh38, 1-based): chr11:119,025,991-119,026,005, TACCCGGAAGAGGTA replaced by CATGCCAGC on the plus strand (TACCTCTTCCGGGTA replaced by GCTGGCATG on the coding strand, the reverse complement: SLC37A4 is on the minus strand). VCF-style: chr11-119025991-TACCCGGAAGAGGTA-CATGCCAGC. GRCh37 (hg19) VCF-style: chr11-118896701-TACCCGGAAGAGGTA-CATGCCAGC.
Other names: c.946_960delTACCTCTTCCGGGTAinsGCTGGCATG, p.Tyr316_Val320delinsAlaGlyMet (NM_001164277.1); c.946_960delinsGCTGGCATG, p.Tyr316_Val320delinsAlaGlyMet (NM_001164278.2, NM_001164280.2, NM_001467.6); c.727_741delinsGCTGGCATG, p.Tyr243_Val247delinsAlaGlyMet (NM_001164279.2).
Identifiers: ClinVar variation 4070847 (VCV004070847.1).